The following is an entry in ClinVar:

ClinVar aggregate classification (germline): Uncertain significance (1 of 4 stars; one submission).

Submission:

GeneDx
Classification: Uncertain significance. Last evaluated: 2024-05-21. Review status: criteria provided, single submitter. Criteria: GeneDx Variant Classification Process June 2021. Collection method: clinical testing. Allele origin: germline. Affected: yes.
Comment: Not observed at significant frequency in large population cohorts (gnomAD); In silico analysis indicates that this missense variant does not alter protein structure/function; Has not been previously published as pathogenic or benign to our knowledge

NM_001145358.2(SIN3A):c.695C>T (p.Ala232Val)

Gene: SIN3A (SIN3 transcription regulator family member A; minus strand). Cytogenetic location: 15q24.2.
Variant type: single nucleotide variant.
Coding change: c.695C>T on transcript NM_001145358.2 (MANE Select); coding-DNA position 695, C replaced by T.
Protein change: p.Ala232Val; replaces alanine 232 with valine.
Molecular consequence: missense variant.
Genome position (GRCh38, 1-based): chr15:75,412,824, G>A on the plus strand (C>T on the coding strand, the complement: SIN3A is on the minus strand). VCF-style: chr15-75412824-G-A. GRCh37 (hg19) VCF-style: chr15-75705165-G-A.
Other names: c.695C>T, p.Ala232Val (NM_001145357.2, NM_015477.3); short protein forms A232V.
Identifiers: ClinVar variation 3381293 (VCV003381293.1).